The following is an entry in ClinVar:

NM_001375524.1(TRRAP):c.9764G>A (p.Arg3255His)

Gene: TRRAP (transformation/transcription domain associated protein; plus strand). Cytogenetic location: 7q22.1.
Variant type: single nucleotide variant.
Coding change: c.9764G>A on transcript NM_001375524.1 (MANE Select); coding-DNA position 9764, G replaced by A.
Protein change: p.Arg3255His; replaces arginine 3255 with histidine.
Molecular consequence: missense variant.
Genome position (GRCh38, 1-based): chr7:98,992,144, G>A. VCF-style: chr7-98992144-G-A. GRCh37 (hg19) VCF-style: chr7-98589767-G-A.
Other names: c.9776G>A, p.Arg3259His (NM_001244580.2); c.9689G>A, p.Arg3230His (NM_003496.4); short protein forms R3230H, R3255H, R3259H.
Identifiers: ClinVar variation 1723690 (VCV001723690.3), dbSNP rs2485004565, ClinGen allele CA368328360.

ClinVar aggregate classification (germline): Uncertain significance. Review status: criteria provided, multiple submitters, no conflicts (2 of 4 stars). 2 submissions from 2 submitters: Uncertain significance (2). Last evaluated 2024-05-02.

Allele frequency attached by ClinVar (database versions not stated): gnomAD exomes below 0.00001.
gnomAD v4.1: 1 of 1,614,218 alleles (0.000062%); highest among the groups gnomAD compares: Non-Finnish European, 0.000085%; no homozygotes.

Submissions (2):

Women's Health and Genetics/Laboratory Corporation of America, LabCorp
Classification: Uncertain significance. Last evaluated: 2024-05-02. Review status: criteria provided, single submitter. Criteria: LabCorp Variant Classification Summary - May 2015. Collection method: clinical testing. Allele origin: germline.
Comment: Variant summary: TRRAP c.9689G>A (p.Arg3230His) results in a non-conservative amino acid change in the encoded protein sequence. Four of five in-silico tools predict a damaging effect of the variant on protein function. The variant was absent in 251470 control chromosomes. The available data on variant occurrences in the general population are insufficient to allow any conclusion about variant significance. To our knowledge, no occurrence of c.9689G>A in individuals affected with Developmental Delay With Or Without Dysmorphic Facies And Autism and no experimental evidence demonstrating its impact on protein function have been reported. ClinVar contains an entry for this variant (Variation ID: 1723690). Based on the evidence outlined above, the variant was classified as uncertain significance.

GeneDx
Classification: Uncertain significance. Last evaluated: 2022-05-10. Review status: criteria provided, single submitter. Criteria: GeneDx Variant Classification Process June 2021. Collection method: clinical testing. Allele origin: germline. Affected: yes.
Comment: Not observed at significant frequency in large population cohorts (gnomAD); In silico analysis supports that this missense variant has a deleterious effect on protein structure/function; Has not been previously published as pathogenic or benign to our knowledge